The following is an entry in ClinVar:

NM_014176.4(UBE2T):c.32T>G (p.Leu11Arg)

Gene: UBE2T (ubiquitin conjugating enzyme E2 T; minus strand). Cytogenetic location: 1q32.1.
Variant type: single nucleotide variant.
Coding change: c.32T>G on transcript NM_014176.4 (MANE Select); coding-DNA position 32, T replaced by G.
Protein change: p.Leu11Arg; replaces leucine 11 with arginine.
Molecular consequence: missense variant. On other transcripts: 5 prime UTR variant (1).
Genome position (GRCh38, 1-based): chr1:202,335,723, A>C on the plus strand (T>G on the coding strand, the complement: UBE2T is on the minus strand). VCF-style: chr1-202335723-A-C. GRCh37 (hg19) VCF-style: chr1-202304851-A-C.
Other names: c.-63T>G (NM_001310326.2); short protein forms L11R.
Identifiers: ClinVar variation 4754341 (VCV004754341.1).
Genomic context (GRCh38, chr1:202,335,723, plus strand): 5'-ATTTGGTCTTTATCTTGCCAACATGTGATGCCTGGGGGTGGCTCTGTGGCTAACATGTGC[A>C]GCTCTCTCTTCAGACGTGAAGCTCTCTGCATGATCCCCAAGTAGAAGGAACCACACACAG-3'
Protein context (NP_054895.1, residues 1-21): MQRASRLKRE[Leu11Arg]HMLATEPPPG

ClinVar aggregate classification (germline): Uncertain significance (1 of 4 stars; one submission).

gnomAD v4.1: 48 of 1,613,992 alleles (0.003%); highest among the groups gnomAD compares: Non-Finnish European, 0.0036%; no homozygotes.

Submission:

Labcorp Genetics (formerly Invitae), Labcorp
Classification: Uncertain significance. Last evaluated: 2025-12-24. Review status: criteria provided, single submitter. Criteria: Invitae Variant Classification Sherloc (09022015). Collection method: clinical testing. Allele origin: germline.
Comment: This sequence change replaces leucine, which is neutral and non-polar, with arginine, which is basic and polar, at codon 11 of the UBE2T protein (p.Leu11Arg). This variant is present in population databases (rs777171113, gnomAD 0.005%). This variant has not been reported in the literature in individuals affected with UBE2T-related conditions. An algorithm developed to predict the effect of missense changes on protein structure and function (PolyPhen-2) suggests that this variant is likely to be disruptive. In summary, the available evidence is currently insufficient to determine the role of this variant in disease. Therefore, it has been classified as a Variant of Uncertain Significance.